The following is an entry in ClinVar:

ClinVar aggregate classification (germline): Pathogenic/Likely pathogenic. Review status: criteria provided, multiple submitters, no conflicts (2 of 4 stars). 2 submissions from 2 submitters: Pathogenic (1); Likely pathogenic (1). Last evaluated 2025-11-19.

Conditions:
Noonan syndrome 2 (NS2). Identifiers: Orphanet 648, MedGen C1854469, MONDO:0011531, OMIM 605275.

gnomAD v4.1: 6 of 1,614,072 alleles (0.00037%); highest among the groups gnomAD compares: Non-Finnish European, 0.00051%; no homozygotes.

Submissions (2):

Labcorp Genetics (formerly Invitae), Labcorp
Classification: Pathogenic. Last evaluated: 2025-11-19. Review status: criteria provided, single submitter. Criteria: Invitae Variant Classification Sherloc (09022015). Collection method: clinical testing. Allele origin: germline.
Comment: This sequence change creates a premature translational stop signal (p.Cys103*) in the LZTR1 gene. It is expected to result in an absent or disrupted protein product. Loss-of-function variants in LZTR1 are known to be pathogenic (PMID: 24362817, 25335493, 25480913, 25795793, 29469822, 30368668, 30442762, 30442766, 30481304, 30859559). This variant is not present in population databases (gnomAD no frequency). This variant has not been reported in the literature in individuals affected with LZTR1-related conditions. ClinVar contains an entry for this variant (Variation ID: 3376218). For these reasons, this variant has been classified as Pathogenic.

Pittsburgh Clinical Genomics Laboratory, University of Pittsburgh Medical Center
Classification: Likely pathogenic for Noonan syndrome 2. Last evaluated: 2022-08-10. Review status: criteria provided, single submitter. Criteria: ACMG Guidelines, 2015. Collection method: clinical testing. Allele origin: germline. Inheritance: Autosomal unknown. Affected: yes.
Comment: This sequence variant is a single nucleotide substitution (C>A) at coding nucleotide 309 in the LZTR1 gene which changes the Cys103 codon into an early termition sigl. As it occurs in exon 3 of 21, this variant is predicted to generate a non-functiol allele through the expression of a truncated protein or a loss of LZTR1 expression due to nonsense-mediated decay. This is a novel variant which has not been reported in clinical genetics databases or observed in the medical literature in individuals with LZTR1-related disease, to our knowledge. This variant is absent from the gnomAD control population dataset (0/~251000 alleles). Given the available information, we consider this variant to be likely pathogenic. ACMG Criteria: PM2, PVS1

Literature cited by the submitters: PubMed 24362817 (cited by Labcorp Genetics (formerly Invitae), Labcorp); PubMed 25335493 (cited by Labcorp Genetics (formerly Invitae), Labcorp); PubMed 25480913 (cited by Labcorp Genetics (formerly Invitae), Labcorp); PubMed 25795793 (cited by Labcorp Genetics (formerly Invitae), Labcorp); PubMed 29469822 (cited by Labcorp Genetics (formerly Invitae), Labcorp); PubMed 30368668 (cited by Labcorp Genetics (formerly Invitae), Labcorp); PubMed 30442762 (cited by Labcorp Genetics (formerly Invitae), Labcorp); PubMed 30442766 (cited by Labcorp Genetics (formerly Invitae), Labcorp); PubMed 30481304 (cited by Labcorp Genetics (formerly Invitae), Labcorp); PubMed 30859559 (cited by Labcorp Genetics (formerly Invitae), Labcorp).

NM_006767.4(LZTR1):c.309C>A (p.Cys103Ter)

Gene: LZTR1 (leucine zipper like post translational regulator 1; plus strand). Cytogenetic location: 22q11.21.
Variant type: single nucleotide variant.
Coding change: c.309C>A on transcript NM_006767.4 (MANE Select); coding-DNA position 309, C replaced by A.
Protein change: p.Cys103Ter; replaces cysteine 103 with a stop codon.
Molecular consequence: nonsense.
Genome position (GRCh38, 1-based): chr22:20,985,886, C>A. VCF-style: chr22-20985886-C-A. GRCh37 (hg19) VCF-style: chr22-21340175-C-A.
Other names: short protein forms C103*.
Identifiers: ClinVar variation 3376218 (VCV003376218.3).
Genomic context (GRCh38, chr22:20,985,886, plus strand): 5'-CCGGCTGCCTTTCAGGAAGACCATGCTCAATGACCTCCTGCGGTTCGATGTGAAAGACTG[C>A]TCCTGGTGCAGGTGGGTGGCCCCGTGCTCCAGGGCCCTGCCTTTCCTCCTAGAACACAGT-3'